The following is an entry in ClinVar:

ClinVar aggregate classification (germline): Likely benign. Review status: criteria provided, multiple submitters, no conflicts (2 of 4 stars). 3 submissions from 3 submitters: Likely benign (3). Last evaluated 2025-11-05.

Conditions:
Classic or attenuated familial adenomatous polyposis. Identifiers: MedGen CN372698, MONDO:0021057.
Hereditary cancer-predisposing syndrome. Also called: Hereditary Cancer Syndrome; Neoplastic Syndromes, Hereditary; Tumor predisposition; Hereditary neoplastic syndrome. Identifiers: Orphanet 140162, MedGen C0027672, MeSH D009386, MONDO:0015356.
Familial adenomatous polyposis 1 (FAP1). Also called: FAMILIAL ADENOMATOUS POLYPOSIS 1, ATTENUATED; POLYPOSIS, ADENOMATOUS INTESTINAL. Identifiers: MedGen C2713442, MONDO:0021056, OMIM 175100. Disease mechanism: loss of function.

Allele frequency attached by ClinVar (database versions not stated): TOPMed below 0.00001; gnomAD 0.00001.
gnomAD v4.1: 1 of 1,614,070 alleles (0.000062%); highest among the groups gnomAD compares: Non-Finnish European, 0.000085%; no homozygotes.

Submissions (3):

Labcorp Genetics (formerly Invitae), Labcorp
Classification: Likely benign for Familial adenomatous polyposis 1. Last evaluated: 2025-11-05. Review status: criteria provided, single submitter. Criteria: Invitae Variant Classification Sherloc (09022015). Collection method: clinical testing. Allele origin: germline.

All of Us Research Program, National Institutes of Health
Classification: Likely benign for Classic or attenuated familial adenomatous polyposis. Last evaluated: 2023-08-28. Review status: criteria provided, single submitter. Criteria: ACMG Guidelines, 2015. Collection method: clinical testing. Allele origin: germline. Inheritance: Autosomal dominant inheritance. Observed: 1 variant allele, 1 heterozygote.
Comment: This study involves interpretation of variants in research participants for the purpose of population health screening. Participant phenotype was not available at the time of variant classification. Additional details can be found in publication PMID: 35346344, PMCID: PMC8962531

Ambry Genetics
Classification: Likely benign for Hereditary cancer-predisposing syndrome. Last evaluated: 2020-01-02. Review status: criteria provided, single submitter. Criteria: Ambry Variant Classification Scheme 2023. Collection method: clinical testing. Allele origin: germline.

NM_000038.6(APC):c.4806T>A (p.Pro1602=)

Gene: APC (APC regulator of Wnt signaling pathway; plus strand). Cytogenetic location: 5q22.2.
Variant type: single nucleotide variant.
Coding change: c.4806T>A on transcript NM_000038.6 (MANE Select); coding-DNA position 4806, T replaced by A.
Protein change: p.Pro1602=; no amino-acid change (proline 1602 retained).
Molecular consequence: synonymous variant. On other transcripts: non-coding transcript variant (2).
Genome position (GRCh38, 1-based): chr5:112,840,400, T>A. VCF-style: chr5-112840400-T-A. GRCh37 (hg19) VCF-style: chr5-112176097-T-A.
Other names: c.4806T>A, p.Pro1602= (NM_001127510.3, NM_001354895.2, NM_001407450.1); c.4752T>A, p.Pro1584= (NM_001127511.3); c.4860T>A, p.Pro1620= (NM_001354896.2, NM_001407447.1, NM_001407448.1 and 1 more transcripts); c.4836T>A, p.Pro1612= (NM_001354897.2); c.4731T>A, p.Pro1577= (NM_001354898.2); c.4722T>A, p.Pro1574= (NM_001354899.2); c.4683T>A, p.Pro1561= (NM_001354900.2); c.4629T>A, p.Pro1543= (NM_001354901.2, NM_001407453.1); and 11 more.
Identifiers: ClinVar variation 1743231 (VCV001743231.8), dbSNP rs1160772397, ClinGen allele CA446208052.
Genomic context (GRCh38, chr5:112,840,400, plus strand): 5'-CATGCCAACAAAGTCATCACGTAAAGCAAAAAAGCCAGCCCAGACTGCTTCAAAATTACC[T>A]CCACCTGTGGCAAGGAAACCAAGTCAGCTGCCTGTGTACAAACTTCTACCATCACAAAAC-3'
Protein context (NP_000029.2, residues 1592-1612): KKPAQTASKL[Pro1602=]PPVARKPSQL